The following is an entry in ClinVar:

NM_001940.4(ATN1):c.3182TGCACC[1] (p.1061LH[1])

Gene: ATN1 (atrophin 1; plus strand). Cytogenetic location: 12p13.31.
Variant type: Microsatellite.
Coding change: c.3182TGCACC[1] on transcript NM_001940.4 (MANE Select); one copy of the 6-base unit TGCACC starting at c.3182; the reference has two copies in a row; one copy, 6 bases deleted.
Protein change: p.1061LH[1].
Molecular consequence: inframe deletion.
Genome position (GRCh38, 1-based): chr12:6,939,151-6,939,156, TGCACC deleted; deleting any 6 consecutive bases within chr12:6,939,140-6,939,156 gives the same sequence; the position shown is the placement nearest the transcript's 3' end. VCF-style (leftmost placement, unchanged base first): chr12-6939139-CGCACCT-C. GRCh37 (hg19) VCF-style: chr12-7048302-CGCACCT-C.
Other names: c.3188_3193del (NM_001007026.1, NM_001007026.2); c.3188_3193del6 (NM_001007026.1); c.3182TGCACC[1], p.1061LH[1] (NM_001007026.2).
Identifiers: ClinVar variation 1027369 (VCV001027369.5), dbSNP rs2138219961, ClinGen allele CA2580615129.

ClinVar aggregate classification (germline): Likely pathogenic. Review status: criteria provided, single submitter (1 of 4 stars). 3 submissions from 3 submitters: Likely pathogenic (1). 2 of the submissions do not count toward it. Last evaluated 2021-03-13.

Conditions:
ATN1-related disorder. Also called: ATN1-related disorders; ATN1-related condition.
Congenital hypotonia, epilepsy, developmental delay, and digital anomalies (CHEDDA). Also called: ATN1-Related Neurodevelopmental Disorder. Identifiers: MedGen C5193125, MONDO:0032781, OMIM 618494.

Submissions (3):

Sydney Children's Hospital, SCHN
Classification: Likely pathogenic for Congenital hypotonia, epilepsy, developmental delay, and digital anomalies. Last evaluated: 2021-03-13. Review status: criteria provided, single submitter. Criteria: ACMG Guidelines, 2015. Collection method: clinical testing. Allele origin: de novo. Inheritance: Autosomal dominant inheritance. Affected: yes. Observed: 1 variant allele, 1 heterozygote.

PreventionGenetics, part of Exact Sciences
Classification: Likely pathogenic for ATN1-related condition. Last evaluated: 2023-11-08. Review status: no assertion criteria provided. Collection method: clinical testing. Allele origin: germline. Not counted in ClinVar's aggregate classification.
Comment: The ATN1 c.3188_3193del6 variant is predicted to result in an in-frame deletion (p.Leu1063_His1064del). This variant has been reported as de novo in an individual with a milder phenotype from a CHEDDA syndrome cohort (Patient 4 in Palmer et al. 2021. PubMed ID: 34212383). This variant has not been reported in a large population database, indicating this variant is rare. This variant is interpreted as likely pathogenic.

Molecular Genetics laboratory, Necker Hospital
Classification: Likely pathogenic. Last evaluated: 2019-04-12. Review status: no assertion criteria provided. Collection method: clinical testing. Allele origin: de novo. Affected: yes. Not counted in ClinVar's aggregate classification.